The following is an entry in ClinVar:

ClinVar aggregate classification (germline): Likely benign (1 of 4 stars; one submission).

Conditions:
RPS6KA3-related disorder. Also called: RPS6KA3-related condition.

Submission:

PreventionGenetics, part of Exact Sciences
Classification: Likely benign for RPS6KA3-related condition. Last evaluated: 2025-07-30. Review status: criteria provided, single submitter. Criteria: ACMG Guidelines, 2015. Collection method: clinical testing. Allele origin: germline.
Comment: This variant is classified as likely benign based on ACMG/AMP sequence variant interpretation guidelines (Richards et al. 2015 PMID: 25741868, with internal and published modifications).

NM_004586.3(RPS6KA3):c.1000-8C>A

Gene: RPS6KA3 (ribosomal protein S6 kinase A3; minus strand). Cytogenetic location: Xp22.12.
Variant type: single nucleotide variant.
Coding change: c.1000-8C>A on transcript NM_004586.3 (MANE Select); 8 bases into the intron before coding-DNA position 1000, C replaced by A.
Molecular consequence: intron variant.
Genome position (GRCh38, 1-based): chrX:20,176,360, G>T on the plus strand (C>A on the coding strand, the complement: RPS6KA3 is on the minus strand). VCF-style: chrX-20176360-G-T. GRCh37 (hg19) VCF-style: chrX-20194478-G-T.
Other names: c.916-8C>A (NM_001438340.1).
Identifiers: ClinVar variation 5001645 (VCV005001645.1).